The following is an entry in ClinVar:

NM_001371928.1(AHDC1):c.3341A>T (p.Tyr1114Phe)

Gene: AHDC1 (AT-hook DNA binding motif containing 1; minus strand). Cytogenetic location: 1p36.11.
Variant type: single nucleotide variant.
Coding change: c.3341A>T on transcript NM_001371928.1 (MANE Select); coding-DNA position 3341, A replaced by T.
Protein change: p.Tyr1114Phe; replaces tyrosine 1114 with phenylalanine.
Molecular consequence: missense variant.
Genome position (GRCh38, 1-based): chr1:27,548,775, T>A on the plus strand (A>T on the coding strand, the complement: AHDC1 is on the minus strand). VCF-style: chr1-27548775-T-A. GRCh37 (hg19) VCF-style: chr1-27875286-T-A.
Other names: c.3341A>T, p.Tyr1114Phe (NM_001029882.3); short protein forms Y1114F.
Identifiers: ClinVar variation 4753319 (VCV004753319.1).

ClinVar aggregate classification (germline): Uncertain significance (1 of 4 stars; one submission).

gnomAD v4.1: 104 of 1,612,978 alleles (0.0064%); highest among the groups gnomAD compares: Non-Finnish European, 0.0085%; no homozygotes.

Submission:

Labcorp Genetics (formerly Invitae), Labcorp
Classification: Uncertain significance. Last evaluated: 2025-10-28. Review status: criteria provided, single submitter. Criteria: Invitae Variant Classification Sherloc (09022015). Collection method: clinical testing. Allele origin: germline.
Comment: This sequence change replaces tyrosine, which is neutral and polar, with phenylalanine, which is neutral and non-polar, at codon 1114 of the AHDC1 protein (p.Tyr1114Phe). This variant is present in population databases (rs202020604, gnomAD 0.009%). This variant has not been reported in the literature in individuals affected with AHDC1-related conditions. An algorithm developed to predict the effect of missense changes on protein structure and function (PolyPhen-2) suggests that this variant is likely to be tolerated. In summary, the available evidence is currently insufficient to determine the role of this variant in disease. Therefore, it has been classified as a Variant of Uncertain Significance.